The following is an entry in ClinVar:

NM_004655.4(AXIN2):c.144del (p.Met49fs)

Gene: AXIN2 (axin 2; minus strand). Cytogenetic location: 17q24.1.
Variant type: Deletion.
Coding change: c.144del on transcript NM_004655.4 (MANE Select); coding-DNA position 144, one base deleted (C; older notation c.144delC).
Protein change: p.Met49fs; shifts the reading frame from methionine 49.
Molecular consequence: frameshift variant.
Genome position (GRCh38, 1-based): chr17:65,558,477, G deleted on the plus strand (C on the coding strand, the reverse complement: AXIN2 is on the minus strand); the first of 3 consecutive G bases (chr17:65,558,477-65,558,479); deleting any one gives the same sequence. VCF-style (leftmost placement, unchanged base first): chr17-65558476-TG-T. GRCh37 (hg19) VCF-style: chr17-63554594-TG-T.
Other names: c.144del, p.Met49fs (NM_001363813.1); short protein forms M49fs.
Identifiers: ClinVar variation 2756665 (VCV002756665.3), dbSNP rs2544254746, ClinGen allele CA2697555078.

ClinVar aggregate classification (germline): Pathogenic (1 of 4 stars; one submission).

Conditions:
Oligodontia-cancer predisposition syndrome. Also called: TOOTH AGENESIS-COLORECTAL CANCER SYNDROME. Identifiers: Orphanet 300576, MedGen C1837750, MONDO:0012075, OMIM 608615. Disease mechanism: loss of function.

Submission:

Labcorp Genetics (formerly Invitae), Labcorp
Classification: Pathogenic for Oligodontia-cancer predisposition syndrome. Last evaluated: 2023-06-02. Review status: criteria provided, single submitter. Criteria: Invitae Variant Classification Sherloc (09022015). Collection method: clinical testing. Allele origin: germline.
Comment: This variant has not been reported in the literature in individuals affected with AXIN2-related conditions. This variant is not present in population databases (gnomAD no frequency). This sequence change creates a premature translational stop signal (p.Met49Cysfs*27) in the AXIN2 gene. It is expected to result in an absent or disrupted protein product. Loss-of-function variants in AXIN2 are known to be pathogenic (PMID: 15042511, 21416598). For these reasons, this variant has been classified as Pathogenic.

Literature cited by the submitters: PubMed 15042511; PubMed 21416598.